The following is an entry in ClinVar:

NM_018699.4(PRDM5):c.296T>C (p.Ile99Thr)

Gene: PRDM5 (PR/SET domain 5; minus strand). Cytogenetic location: 4q27.
Variant type: single nucleotide variant.
Coding change: c.296T>C on transcript NM_018699.4 (MANE Select); coding-DNA position 296, T replaced by C.
Protein change: p.Ile99Thr; replaces isoleucine 99 with threonine.
Molecular consequence: missense variant.
Genome position (GRCh38, 1-based): chr4:120,853,422, A>G on the plus strand (T>C on the coding strand, the complement: PRDM5 is on the minus strand). VCF-style: chr4-120853422-A-G. GRCh37 (hg19) VCF-style: chr4-121774577-A-G.
Other names: c.296T>C, p.Ile99Thr (NM_001300823.2, NM_001300824.2, NM_001379104.1 and 1 more transcripts); short protein forms I99T.
Identifiers: ClinVar variation 3937794 (VCV003937794.1).

ClinVar aggregate classification (germline): Uncertain significance (1 of 4 stars; one submission).

Conditions:
Cardiovascular phenotype. Identifiers: MedGen CN230736.

gnomAD v4.1: 5 of 1,613,732 alleles (0.00031%); highest among the groups gnomAD compares: Non-Finnish European, 0.00042%; no homozygotes.

Submission:

Ambry Genetics
Classification: Uncertain significance for Cardiovascular phenotype. Last evaluated: 2025-05-10. Review status: criteria provided, single submitter. Criteria: Ambry Variant Classification Scheme 2023. Collection method: clinical testing. Allele origin: germline.
Comment: The p.I99T variant (also known as c.296T>C), located in coding exon 3 of the PRDM5 gene, results from a T to C substitution at nucleotide position 296. The isoleucine at codon 99 is replaced by threonine, an amino acid with similar properties. This amino acid position is conserved. In addition, this alteration is predicted to be deleterious by in silico analysis. Based on the available evidence, the clinical significance of this variant remains unclear.